The following is an entry in ClinVar:

NM_004172.5(SLC1A3):c.886C>G (p.Leu296Val)

Genes: SLC1A3 (solute carrier family 1 member 3; plus strand), SLC1A3-AS1 (SLC1A3 antisense RNA 1; minus strand). Cytogenetic location: 5p13.2.
Variant type: single nucleotide variant.
Coding change: c.886C>G on transcript NM_004172.5 (MANE Select); coding-DNA position 886, C replaced by G.
Protein change: p.Leu296Val; replaces leucine 296 with valine.
Molecular consequence: missense variant.
Genome position (GRCh38, 1-based): chr5:36,679,652, C>G. VCF-style: chr5-36679652-C-G. GRCh37 (hg19) VCF-style: chr5-36679754-C-G.
Other names: c.886C>G, p.Leu296Val (NM_001166695.3); c.748C>G, p.Leu250Val (NM_001289939.2); c.550C>G, p.Leu184Val (NM_001289940.2); short protein forms L184V, L250V, L296V.
Identifiers: ClinVar variation 1307154 (VCV001307154.3), dbSNP rs1420650225, ClinGen allele CA359480598.

ClinVar aggregate classification (germline): Uncertain significance (1 of 4 stars; one submission).

Allele frequency attached by ClinVar (database versions not stated): gnomAD exomes below 0.00001.
gnomAD v4.1: 1 of 1,614,104 alleles (0.000062%); highest among the groups gnomAD compares: Non-Finnish European, 0.000085%; no homozygotes.

Submission:

GeneDx
Classification: Uncertain significance. Last evaluated: 2024-01-02. Review status: criteria provided, single submitter. Criteria: GeneDx Variant Classification Process June 2021. Collection method: clinical testing. Allele origin: germline. Affected: yes.
Comment: Not observed at significant frequency in large population cohorts (gnomAD); In silico analysis supports that this missense variant has a deleterious effect on protein structure/function; Has not been previously published as pathogenic or benign to our knowledge